The following is an entry in ClinVar:

ClinVar aggregate classification (germline): Uncertain significance (1 of 4 stars; one submission).

Submission:

Labcorp Genetics (formerly Invitae), Labcorp
Classification: Uncertain significance. Last evaluated: 2021-02-17. Review status: criteria provided, single submitter. Criteria: Invitae Variant Classification Sherloc (09022015). Collection method: clinical testing. Allele origin: germline.
Comment: This variant has not been reported in the literature in individuals with POLE-related conditions. In summary, the available evidence is currently insufficient to determine the role of this variant in disease. Therefore, it has been classified as a Variant of Uncertain Significance. Algorithms developed to predict the effect of missense changes on protein structure and function output the following: SIFT: "Tolerated"; PolyPhen-2: "Benign"; Align-GVGD: "Class C0". The lysine amino acid residue is found in multiple mammalian species, suggesting that this missense change does not adversely affect protein function. These predictions have not been confirmed by published functional studies and their clinical significance is uncertain. This variant is not present in population databases (ExAC no frequency). This sequence change replaces arginine with lysine at codon 1290 of the POLE protein (p.Arg1290Lys). The arginine residue is moderately conserved and there is a small physicochemical difference between arginine and lysine.

NM_006231.4(POLE):c.3869G>A (p.Arg1290Lys)

Gene: POLE (DNA polymerase epsilon, catalytic subunit; minus strand). Cytogenetic location: 12q24.33.
Variant type: single nucleotide variant.
Coding change: c.3869G>A on transcript NM_006231.4 (MANE Select); coding-DNA position 3869, G replaced by A.
Protein change: p.Arg1290Lys; replaces arginine 1290 with lysine.
Molecular consequence: missense variant.
Genome position (GRCh38, 1-based): chr12:132,649,442, C>T on the plus strand (G>A on the coding strand, the complement: POLE is on the minus strand). VCF-style: chr12-132649442-C-T. GRCh37 (hg19) VCF-style: chr12-133226028-C-T.
Other names: short protein forms R1290K.
Identifiers: ClinVar variation 1511358 (VCV001511358.8), dbSNP rs2138608595, ClinGen allele CA387385338.